The following is an entry in ClinVar:

ClinVar aggregate classification (germline): Likely pathogenic (1 of 4 stars; one submission).

Conditions:
Dilated cardiomyopathy 1G (CMD1G). Identifiers: Orphanet 154, MedGen C1858763, MONDO:0011400, OMIM 604145.
Autosomal recessive limb-girdle muscular dystrophy type 2J (LGMDR10). Also called: Limb-girdle muscular dystrophy, type 2J; MUSCULAR DYSTROPHY, LIMB-GIRDLE, AUTOSOMAL RECESSIVE 10. Identifiers: Orphanet 140922, MedGen C1837342, MONDO:0012127, OMIM 608807.

Submission:

Labcorp Genetics (formerly Invitae), Labcorp
Classification: Likely pathogenic for Dilated cardiomyopathy 1G; Autosomal recessive limb-girdle muscular dystrophy type 2J. Last evaluated: 2024-05-04. Review status: criteria provided, single submitter. Criteria: Invitae Variant Classification Sherloc (09022015). Collection method: clinical testing. Allele origin: germline.
Comment: This sequence change creates a premature translational stop signal (p.Gly27795*) in the TTN gene. While this is not anticipated to result in nonsense mediated decay, it is expected to create a truncated TTN protein. This variant is not present in population databases (gnomAD no frequency). This premature translational stop signal has been observed in individual(s) with dilated cardiomyopathy (Invitae). This variant is located in the A band of TTN (PMID: 25589632). Truncating variants in this region are significantly overrepresented in patients affected with dilated cardiomyopathy (PMID: 25589632). Truncating variants in this region have also been reported in individuals affected with autosomal recessive centronuclear myopathy (PMID: 23975875). In summary, the currently available evidence indicates that the variant is pathogenic, but additional data are needed to prove that conclusively. Therefore, this variant has been classified as Likely Pathogenic.

Literature cited by the submitters: PubMed 25589632; PubMed 23975875.

NM_001267550.2(TTN):c.83383G>T (p.Gly27795Ter)

Genes: TTN-AS1 (TTN antisense RNA 1; plus strand), TTN (titin; minus strand). Cytogenetic location: 2q31.2.
Variant type: single nucleotide variant.
Coding change: c.83383G>T on transcript NM_001267550.2 (MANE Select); coding-DNA position 83383, G replaced by T.
Protein change: p.Gly27795Ter; replaces glycine 27795 with a stop codon.
Molecular consequence: nonsense.
Genome position (GRCh38, 1-based): chr2:178,562,749, C>A on the plus strand (G>T on the coding strand, the complement: TTN is on the minus strand). VCF-style: chr2-178562749-C-A. GRCh37 (hg19) VCF-style: chr2-179427476-C-A.
Other names: c.78460G>T, p.Gly26154Ter (NM_001256850.1); c.56188G>T, p.Gly18730Ter (NM_003319.4); c.75679G>T, p.Gly25227Ter (NM_133378.4); c.56563G>T, p.Gly18855Ter (NM_133432.3); c.56764G>T, p.Gly18922Ter (NM_133437.4); short protein forms G18730*, G18855*, G18922*, G25227*, G26154*, G27795*.
Identifiers: ClinVar variation 3755455 (VCV003755455.2).